The following is an entry in ClinVar:

ClinVar aggregate classification (germline): Uncertain significance (1 of 4 stars; one submission).

Submission:

GeneDx
Classification: Uncertain significance. Last evaluated: 2023-04-19. Review status: criteria provided, single submitter. Criteria: GeneDx Variant Classification Process June 2021. Collection method: clinical testing. Allele origin: germline. Affected: yes.
Comment: Not observed at significant frequency in large population cohorts (gnomAD); In-frame deletion of 19 amino acids in a non-repeat region; In silico analysis supports a deleterious effect on protein structure/function; Has not been previously published as pathogenic or benign to our knowledge

NM_001032382.2(PQBP1):c.690_746del (p.Asp232_Ala250del)

Gene: PQBP1 (polyglutamine binding protein 1; plus strand). Cytogenetic location: Xp11.23.
Variant type: Deletion.
Coding change: c.690_746del on transcript NM_001032382.2 (MANE Select); coding-DNA positions 690 to 746, 57 bases deleted.
Protein change: p.Asp232_Ala250del.
Molecular consequence: inframe deletion.
Genome position (GRCh38, 1-based): chrX:48,902,976-48,903,032, 57 bases deleted. GRCh37 (hg19): chrX:48,760,253-48,760,309.
Other names: c.690_746del, p.Asp232_Ala250del (NM_001032381.2, NM_001032383.2, NM_001032384.1 and 1 more transcripts); c.687_743del, p.Asp231_Ala249del (NM_001167989.2); c.666_722del, p.Asp224_Ala242del (NM_001167990.2); c.390_446del, p.Asp132_Ala150del (NM_001167992.1); c.405_461del, p.Asp137_Ala155del (NM_144495.3).
Identifiers: ClinVar variation 2663602 (VCV002663602.1), dbSNP rs2519629091, ClinGen allele CA2695200188.